The following is an entry in ClinVar:

ClinVar aggregate classification (germline): Uncertain significance (1 of 4 stars; one submission).

gnomAD v4.1: 5 of 1,607,908 alleles (0.00031%); highest among the groups gnomAD compares: African/African-American, 0.004%; no homozygotes.

Submission:

Labcorp Genetics (formerly Invitae), Labcorp
Classification: Uncertain significance. Last evaluated: 2022-03-09. Review status: criteria provided, single submitter. Criteria: Invitae Variant Classification Sherloc (09022015). Collection method: clinical testing. Allele origin: germline.
Comment: This sequence change replaces arginine, which is basic and polar, with glycine, which is neutral and non-polar, at codon 1468 of the ABCC6 protein (p.Arg1468Gly). This variant is present in population databases (rs776891665, gnomAD 0.007%). This variant has not been reported in the literature in individuals affected with ABCC6-related conditions. Algorithms developed to predict the effect of missense changes on protein structure and function are either unavailable or do not agree on the potential impact of this missense change (SIFT: "Tolerated"; PolyPhen-2: "Probably Damaging"; Align-GVGD: "Class C0"). In summary, the available evidence is currently insufficient to determine the role of this variant in disease. Therefore, it has been classified as a Variant of Uncertain Significance.

NM_001171.6(ABCC6):c.4402C>G (p.Arg1468Gly)

Genes: ABCC6 (ATP binding cassette subfamily C member 6; minus strand), LOC125146421 (Sharpr-MPRA regulatory region 15590; plus strand). Cytogenetic location: 16p13.11.
Variant type: single nucleotide variant.
Coding change: c.4402C>G on transcript NM_001171.6 (MANE Select); coding-DNA position 4402, C replaced by G.
Protein change: p.Arg1468Gly; replaces arginine 1468 with glycine.
Molecular consequence: missense variant. On other transcripts: non-coding transcript variant (1).
Genome position (GRCh38, 1-based): chr16:16,150,579, G>C on the plus strand (C>G on the coding strand, the complement: ABCC6 is on the minus strand). VCF-style: chr16-16150579-G-C. GRCh37 (hg19) VCF-style: chr16-16244436-G-C.
Other names: c.4060C>G, p.Arg1354Gly (NM_001351800.1); short protein forms R1468G, R1354G.
Identifiers: ClinVar variation 2050279 (VCV002050279.1), dbSNP rs776891665, ClinGen allele CA7925207.